The following is an entry in ClinVar:

ClinVar aggregate classification (germline): Benign (1 of 4 stars; one submission).

Conditions:
Neurodevelopmental disorder with progressive spasticity and brain white matter abnormalities. Also called: CEREBRAL PALSY, SPASTIC QUADRIPLEGIC, 1. Identifiers: Orphanet 210141, Orphanet 641353, MedGen C5436628, MONDO:0033613, OMIM 619026.

Allele frequency attached by ClinVar (database versions not stated): gnomAD 0.01168 and 0.01267; 1000 Genomes Project 30x 0.01280; 1000 Genomes Project 0.01098; TOPMed 0.01273.

Submission:

Illumina Laboratory Services, Illumina
Classification: Benign. Last evaluated: 2018-01-12. Review status: criteria provided, single submitter. Criteria: ICSL Variant Classification Criteria 13 December 2019. Collection method: clinical testing. Allele origin: germline.
Comment: This variant was observed in the ICSL laboratory as part of a predisposition screen in an ostensibly healthy population. It had not been previously curated by ICSL or reported in the Human Gene Mutation Database (HGMD: prior to June 1st, 2018), and was therefore a candidate for classification through an automated scoring system. Utilizing variant allele frequency, disease prevalence and penetrance estimates, and inheritance mode, an automated score was calculated to assess if this variant is too frequent to cause the disease. Based on the score and internal cut-off values, a variant classified as benign is not then subjected to further curation. The score for this variant resulted in a classification of benign for this disease.

NM_000817.3(GAD1):c.*1008C>T

Gene: GAD1 (glutamate decarboxylase 1; plus strand). Cytogenetic location: 2q31.1.
Variant type: single nucleotide variant.
Coding change: c.*1008C>T on transcript NM_000817.3 (MANE Select); 1008 bases downstream of the stop codon, C replaced by T.
Molecular consequence: 3 prime UTR variant.
Genome position (GRCh38, 1-based): chr2:170,860,890, C>T. VCF-style: chr2-170860890-C-T. GRCh37 (hg19) VCF-style: chr2-171717400-C-T.
Identifiers: ClinVar variation 332252 (VCV000332252.7), dbSNP rs769399, ClinGen allele CA10611347.